The following is an entry in ClinVar:

ClinVar aggregate classification (germline): Uncertain significance. Review status: criteria provided, multiple submitters, no conflicts (2 of 4 stars). 5 submissions from 5 submitters: Uncertain significance (5). Last evaluated 2025-10-29.

Conditions:
Hereditary cancer-predisposing syndrome. Also called: Neoplastic Syndromes, Hereditary; Hereditary Cancer Syndrome; Tumor predisposition; Hereditary neoplastic syndrome. Identifiers: Orphanet 140162, MedGen C0027672, MeSH D009386, MONDO:0015356.
Ataxia-telangiectasia syndrome (AT). Also called: LOUIS-BAR SYNDROME; Cerebello-oculocutaneous telangiectasia; Immunodeficiency with ataxia telangiectasia; Ataxia-telangiectasia, complementation group D; AT, COMPLEMENTATION GROUP C; Ataxia-telangiectasia, complementation group E. Identifiers: Orphanet 100, MedGen C0004135, MONDO:0008840, OMIM 208900.
Familial cancer of breast. Also called: Hereditary breast cancer; BREAST CANCER, FAMILIAL; hereditary breast carcinoma. Identifiers: Orphanet 227535, MedGen C0346153, MONDO:0016419, OMIM 114480. Disease mechanism: loss of function.

Allele frequency attached by ClinVar (database versions not stated): TOPMed 0.00001.
gnomAD v4.1: 2 of 1,614,044 alleles (0.00012%); highest among the groups gnomAD compares: Non-Finnish European, 0.00017%; no homozygotes.

Submissions (5):

Labcorp Genetics (formerly Invitae), Labcorp
Classification: Uncertain significance for Ataxia-telangiectasia syndrome. Last evaluated: 2025-10-29. Review status: criteria provided, single submitter. Criteria: Invitae Variant Classification Sherloc (09022015). Collection method: clinical testing. Allele origin: germline.
Comment: This sequence change replaces phenylalanine, which is neutral and non-polar, with leucine, which is neutral and non-polar, at codon 3002 of the ATM protein (p.Phe3002Leu). This variant is not present in population databases (gnomAD no frequency). This missense change has been observed in individual(s) with prostate cancer (PMID: 33436325). ClinVar contains an entry for this variant (Variation ID: 407598). Invitae Evidence Modeling of protein sequence and biophysical properties (such as structural, functional, and spatial information, amino acid conservation, physicochemical variation, residue mobility, and thermodynamic stability) indicates that this missense variant is not expected to disrupt ATM protein function with a negative predictive value of 95%. In summary, the available evidence is currently insufficient to determine the role of this variant in disease. Therefore, it has been classified as a Variant of Uncertain Significance.

Ambry Genetics
Classification: Uncertain significance for Hereditary cancer-predisposing syndrome. Last evaluated: 2025-08-01. Review status: criteria provided, single submitter. Criteria: Ambry Variant Classification Scheme 2023. Collection method: clinical testing. Allele origin: germline.
Comment: The p.F3002L variant (also known as c.9006C>A), located in coding exon 62 of the ATM gene, results from a C to A substitution at nucleotide position 9006. The phenylalanine at codon 3002 is replaced by leucine, an amino acid with highly similar properties. This amino acid position is not well conserved in available vertebrate species. In addition, this alteration is predicted to be tolerated by in silico analysis. Since supporting evidence is limited at this time, the clinical significance of this alteration remains unclear.

Quest Diagnostics Nichols Institute San Juan Capistrano
Classification: Uncertain significance. Last evaluated: 2024-02-29. Review status: criteria provided, single submitter. Criteria: Quest Diagnostics criteria. Collection method: clinical testing. Allele origin: unknown.

Baylor Genetics
Classification: Uncertain significance for Familial cancer of breast. Last evaluated: 2023-10-15. Review status: criteria provided, single submitter. Criteria: ACMG Guidelines, 2015. Collection method: clinical testing. Allele origin: unknown.

GeneDx
Classification: Uncertain significance. Last evaluated: 2023-09-20. Review status: criteria provided, single submitter. Criteria: GeneDx Variant Classification Process June 2021. Collection method: clinical testing. Allele origin: germline. Affected: yes.
Comment: Not observed at significant frequency in large population cohorts (gnomAD); In silico analysis supports that this missense variant does not alter protein structure/function; Has not been previously published as pathogenic or benign to our knowledge; This variant is associated with the following publications: (PMID: 23532176)

Literature cited by the submitters: PubMed 33436325 (cited by Labcorp Genetics (formerly Invitae), Labcorp and Quest Diagnostics Nichols Institute San Juan Capistrano); PubMed 33471991 (cited by Quest Diagnostics Nichols Institute San Juan Capistrano).

NM_000051.4(ATM):c.9006C>A (p.Phe3002Leu)

Genes: ATM (ATM serine/threonine kinase; plus strand), C11orf65 (chromosome 11 open reading frame 65; minus strand). Cytogenetic location: 11q22.3.
Variant type: single nucleotide variant.
Coding change: c.9006C>A on transcript NM_000051.4 (MANE Select); coding-DNA position 9006, C replaced by A.
Protein change: p.Phe3002Leu; replaces phenylalanine 3002 with leucine.
Molecular consequence: missense variant. On other transcripts: intron variant (2).
Genome position (GRCh38, 1-based): chr11:108,365,343, C>A. VCF-style: chr11-108365343-C-A. GRCh37 (hg19) VCF-style: chr11-108236070-C-A.
Other names: c.9006C>A, p.Phe3002Leu (NM_001351834.2); c.640+20577G>T (NM_001330368.2); c.694+20577G>T (NM_001351110.2); short protein forms F3002L.
Identifiers: ClinVar variation 407598 (VCV000407598.16), dbSNP rs540172506, ClinGen allele CA16613196.